The following is an entry in ClinVar:

ClinVar aggregate classification (germline): Likely benign. Review status: criteria provided, multiple submitters, no conflicts (2 of 4 stars). 2 submissions from 2 submitters: Likely benign (2). Last evaluated 2024-05-30.

Conditions:
Familial cancer of breast. Also called: BREAST CANCER, FAMILIAL; hereditary breast carcinoma; Hereditary breast cancer. Identifiers: Orphanet 227535, MedGen C0346153, MONDO:0016419, OMIM 114480. Disease mechanism: loss of function.
Ataxia-telangiectasia syndrome (AT). Also called: ATAXIA-TELANGIECTASIA, COMPLEMENTATION GROUP A; ATAXIA-TELANGIECTASIA, FRESNO VARIANT; Ataxia-telangiectasia; Ataxia-telangiectasia, complementation group E; LOUIS-BAR SYNDROME; Cerebello-oculocutaneous telangiectasia. Identifiers: Orphanet 100, MedGen C0004135, MONDO:0008840, OMIM 208900.

Submissions (2):

Myriad Genetics, Inc.
Classification: Likely benign for Familial cancer of breast. Last evaluated: 2024-05-30. Review status: criteria provided, single submitter. Criteria: Myriad Autosomal Dominant, Autosomal Recessive and X-Linked Classification Criteria (2023). Collection method: clinical testing. Allele origin: unknown.
Comment: This variant is considered likely benign. This variant is intronic and is not expected to impact mRNA splicing.

Labcorp Genetics (formerly Invitae), Labcorp
Classification: Likely benign for Ataxia-telangiectasia syndrome. Last evaluated: 2023-10-17. Review status: criteria provided, single submitter. Criteria: Invitae Variant Classification Sherloc (09022015). Collection method: clinical testing. Allele origin: germline.

NM_000051.4(ATM):c.6007-7T>C

Genes: C11orf65 (chromosome 11 open reading frame 65; minus strand), ATM (ATM serine/threonine kinase; plus strand). Cytogenetic location: 11q22.3.
Variant type: single nucleotide variant.
Coding change: c.6007-7T>C on transcript NM_000051.4 (MANE Select); 7 bases into the intron before coding-DNA position 6007, T replaced by C.
Molecular consequence: intron variant.
Genome position (GRCh38, 1-based): chr11:108,315,816, T>C. VCF-style: chr11-108315816-T-C. GRCh37 (hg19) VCF-style: chr11-108186543-T-C.
Other names: c.6007-7T>C (NM_001351834.2); c.641-6745A>G (NM_001330368.2); c.*39-6745A>G (NM_001351110.2).
Identifiers: ClinVar variation 2112028 (VCV002112028.5), dbSNP rs2136116893, ClinGen allele CA2580083040.